The following is an entry in ClinVar:

ClinVar aggregate classification (germline): Uncertain significance (1 of 4 stars; one submission).

Conditions:
Inborn genetic diseases. Identifiers: MedGen C0950123, MeSH D030342.

Submission:

Ambry Genetics
Classification: Uncertain significance for Inborn genetic diseases. Last evaluated: 2023-11-01. Review status: criteria provided, single submitter. Criteria: Ambry Variant Classification Scheme 2023. Collection method: clinical testing. Allele origin: germline.
Comment: The p.L544H variant (also known as c.1631T>A), located in coding exon 7 of the ATR gene, results from a T to A substitution at nucleotide position 1631. The leucine at codon 544 is replaced by histidine, an amino acid with similar properties. This amino acid position is conserved. In addition, this alteration is predicted to be tolerated by in silico analysis. Since supporting evidence is limited at this time, the clinical significance of this alteration remains unclear.

NM_001184.4(ATR):c.1631T>A (p.Leu544His)

Gene: ATR (ATR checkpoint kinase; minus strand). Cytogenetic location: 3q23.
Variant type: single nucleotide variant.
Coding change: c.1631T>A on transcript NM_001184.4 (MANE Select); coding-DNA position 1631, T replaced by A.
Protein change: p.Leu544His; replaces leucine 544 with histidine.
Molecular consequence: missense variant.
Genome position (GRCh38, 1-based): chr3:142,559,352, A>T on the plus strand (T>A on the coding strand, the complement: ATR is on the minus strand). VCF-style: chr3-142559352-A-T. GRCh37 (hg19) VCF-style: chr3-142278194-A-T.
Other names: c.1439T>A, p.Leu480His (NM_001354579.2); short protein forms L480H, L544H.
Identifiers: ClinVar variation 3221057 (VCV003221057.1), dbSNP rs2108479979, ClinGen allele CA354822209.